The following is an entry in ClinVar:

ClinVar aggregate classification (germline): Likely benign (1 of 4 stars; one submission).

Allele frequency attached by ClinVar (database versions not stated): gnomAD exomes below 0.00001; TOPMed below 0.00001; ExAC 0.00001.

Submission:

GeneDx
Classification: Likely benign. Last evaluated: 2016-10-06. Review status: criteria provided, single submitter. Criteria: GeneDx Variant Classification (06012015). Collection method: clinical testing. Allele origin: germline. Affected: yes.
Comment: This variant is considered likely benign or benign based on one or more of the following criteria: it is a conservative change, it occurs at a poorly conserved position in the protein, it is predicted to be benign by multiple in silico algorithms, and/or has population frequency not consistent with disease.

NM_020745.4(AARS2):c.1301-13T>G

Genes: POLR1C (RNA polymerase I and III subunit C; plus strand), AARS2 (alanyl-tRNA synthetase 2, mitochondrial; minus strand). Cytogenetic location: 6p21.1.
Variant type: single nucleotide variant.
Coding change: c.1301-13T>G on transcript NM_020745.4 (MANE Select); 13 bases into the intron before coding-DNA position 1301, T replaced by G.
Molecular consequence: intron variant.
Genome position (GRCh38, 1-based): chr6:44,305,799, A>C on the plus strand (T>G on the coding strand, the complement: AARS2 is on the minus strand). VCF-style: chr6-44305799-A-C. GRCh37 (hg19) VCF-style: chr6-44273536-A-C.
Identifiers: ClinVar variation 389481 (VCV000389481.1), dbSNP rs1057523445, ClinGen allele CA3834365.
Genomic context (GRCh38, chr6:44,305,799, plus strand): 5'-AGGGGAGTCCCAGGTCTCCACACAGTGACAAGGACCAGGCCACTTCAGCTTTGAGAAAGA[A>C]AGACAAAGAATGTTGAGGAGGGGAGGGATTAGACAAAGAAGGGGAGAAAAATAAGGTCCA-3'